The following is an entry in ClinVar:

ClinVar aggregate classification (germline): Likely pathogenic (1 of 4 stars; one submission).

Submission:

GeneDx
Classification: Likely pathogenic. Last evaluated: 2024-12-06. Review status: criteria provided, single submitter. Criteria: GeneDx Variant Classification Process June 2021. Collection method: clinical testing. Allele origin: germline. Affected: yes.
Comment: De novo variant with confirmed parentage in a patient in published literature from a cohort of individuals with developmental disorders; however, detailed clinical information was not provided (PMID: 33057194); Canonical splice site variant predicted to result in a null allele in a gene for which loss of function is a known mechanism of disease; Not observed at significant frequency in large population cohorts (gnomAD); This variant is associated with the following publications: (PMID: 35982159, 33057194)

NM_182641.4(BPTF):c.8260_8261+2del

Gene: BPTF (bromodomain PHD finger transcription factor; plus strand). Cytogenetic location: 17q24.2.
Variant type: Deletion.
Coding change: c.8260_8261+2del on transcript NM_182641.4 (MANE Select); coding-DNA position 8260 through the canonical splice donor site of the intron after coding-DNA position 8261, 4 bases deleted (AAGT; older notation c.8260_8261+2delAAGT).
Molecular consequence: splice donor variant.
Genome position (GRCh38, 1-based): chr17:67,959,874-67,959,877, AAGT deleted; deleting any 4 consecutive bases within chr17:67,959,873-67,959,877 gives the same sequence; the c. name uses the placement nearest the transcript's 3' end. VCF-style (leftmost placement, unchanged base first): chr17-67959872-CTAAG-C. GRCh37 (hg19) VCF-style: chr17-65955988-CTAAG-C.
Other names: c.8209_8210+2del (NM_004459.7).
Identifiers: ClinVar variation 3901558 (VCV003901558.1).